The following is an entry in ClinVar:

ClinVar aggregate classification (germline): Uncertain significance (1 of 4 stars; one submission).

Conditions:
Hereditary spastic paraplegia 8 (SPG8). Also called: SPASTIC PARAPLEGIA 8, AUTOSOMAL DOMINANT. Identifiers: Orphanet 100989, MedGen C1863704, MONDO:0011339, OMIM 603563.

Allele frequency attached by ClinVar (database versions not stated): gnomAD exomes below 0.00001; gnomAD 0.00001; TOPMed 0.00002.
gnomAD v4.1: 8 of 1,613,946 alleles (0.0005%); highest among the groups gnomAD compares: African/African-American, 0.0053%; no homozygotes.

Submission:

Human Genetics Bochum, Ruhr University Bochum
Classification: Uncertain significance for Hereditary spastic paraplegia 8. Last evaluated: 2023-11-24. Review status: criteria provided, single submitter. Criteria: ACMG Guidelines, 2015. Collection method: clinical testing. Allele origin: germline. Affected: yes.
Comment: ACMG criteria used to clasify this variant: PM1, PP3_MOD

NM_014846.4(WASHC5):c.2009G>A (p.Arg670Gln)

Gene: WASHC5 (WASH complex subunit 5; minus strand). Cytogenetic location: 8q24.13.
Variant type: single nucleotide variant.
Coding change: c.2009G>A on transcript NM_014846.4 (MANE Select); coding-DNA position 2009, G replaced by A.
Protein change: p.Arg670Gln; replaces arginine 670 with glutamine.
Molecular consequence: missense variant.
Genome position (GRCh38, 1-based): chr8:125,056,684, C>T on the plus strand (G>A on the coding strand, the complement: WASHC5 is on the minus strand). VCF-style: chr8-125056684-C-T. GRCh37 (hg19) VCF-style: chr8-126068926-C-T.
Other names: c.1565G>A, p.Arg522Gln (NM_001330609.2); short protein forms R522Q, R670Q.
Identifiers: ClinVar variation 3027454 (VCV003027454.1), dbSNP rs1377536205, ClinGen allele CA372190793.